The following is an entry in ClinVar:

NM_006892.4(DNMT3B):c.2430C>T (p.Gly810=)

Gene: DNMT3B (DNA methyltransferase 3 beta; plus strand). Cytogenetic location: 20q11.21.
Variant type: single nucleotide variant.
Coding change: c.2430C>T on transcript NM_006892.4 (MANE Select); coding-DNA position 2430, C replaced by T.
Protein change: p.Gly810=; no amino-acid change (glycine 810 retained).
Molecular consequence: synonymous variant. On other transcripts: missense variant (4).
Genome position (GRCh38, 1-based): chr20:32,807,771, C>T. VCF-style: chr20-32807771-C-T. GRCh37 (hg19) VCF-style: chr20-31395577-C-T.
Other names: c.2055C>T, p.Gly685= (NM_001207055.2); c.1953C>T, p.Gly651= (NM_001207056.2); c.2311C>T, p.Leu771Phe (NM_001424351.1); c.2304C>T, p.Gly768= (NM_001424352.1); c.2251C>T, p.Leu751Phe (NM_001424353.1); c.2244C>T, p.Gly748= (NM_001424354.1); c.2241C>T, p.Gly747= (NM_001424355.1); c.2185C>T, p.Leu729Phe (NM_001424356.1); and 7 more; short protein forms L709F, L729F, L751F, L771F.
Identifiers: ClinVar variation 2972341 (VCV002972341.4), dbSNP rs776808076, ClinGen allele CA9810919.

ClinVar aggregate classification (germline): Likely benign. Review status: criteria provided, single submitter (1 of 4 stars). 2 submissions from 2 submitters: Likely benign (1). 1 of the submissions does not count toward it. Last evaluated 2025-11-27.

Conditions:
Centromeric instability of chromosomes 1,9 and 16 and immunodeficiency (ICF1). Also called: Immunodeficiency-centromeric instability-facial anomalies; CENTROMERIC INSTABILITY, IMMUNODEFICIENCY SYNDROME; IMMUNE DEFICIENCY, VARIABLE, WITH CENTROMERIC INSTABILITY OF CHROMOSOMES 1, 9, AND 16; IMMUNODEFICIENCY SYNDROME, VARIABLE. Identifiers: Orphanet 2268, MedGen C0398788, MONDO:0000133.
DNMT3B-related disorder. Also called: DNMT3B-related condition.

Allele frequency attached by ClinVar (database versions not stated): gnomAD exomes 0.00002; gnomAD 0.00003; ExAC 0.00008.
gnomAD v4.1: 39 of 1,614,044 alleles (0.0024%); highest among the groups gnomAD compares: Non-Finnish European, 0.0031%; 1 homozygote.

Submissions (2):

Labcorp Genetics (formerly Invitae), Labcorp
Classification: Likely benign for Centromeric instability of chromosomes 1,9 and 16 and immunodeficiency. Last evaluated: 2025-11-27. Review status: criteria provided, single submitter. Criteria: Invitae Variant Classification Sherloc (09022015). Collection method: clinical testing. Allele origin: germline.

PreventionGenetics, part of Exact Sciences
Classification: Likely benign for DNMT3B-related condition. Last evaluated: 2024-03-14. Review status: no assertion criteria provided. Collection method: clinical testing. Allele origin: germline. Not counted in ClinVar's aggregate classification.
Comment: This variant is classified as likely benign based on ACMG/AMP sequence variant interpretation guidelines (Richards et al. 2015 PMID: 25741868, with internal and published modifications).